The following is an entry in ClinVar:

ClinVar aggregate classification (germline): Conflicting classifications of pathogenicity. Review status: criteria provided, conflicting classifications (1 of 4 stars). 11 submissions from 11 submitters: Pathogenic (9); Uncertain significance (1). 1 of the submissions does not count toward it. Last evaluated 2026-01-21.

Conditions:
SPTBN2-related disorder. Also called: SPTBN2-related condition.
Inborn genetic diseases. Identifiers: MedGen C0950123, MeSH D030342.
Spinocerebellar ataxia type 5 (SCA5). Identifiers: Orphanet 98766, MedGen C0752123, MONDO:0010848, OMIM 600224.

Submissions (11):

Variantyx, Inc.
Classification: Pathogenic for Spinocerebellar ataxia type 5. Last evaluated: 2026-01-21. Review status: criteria provided, single submitter. Criteria: Variantyx Assertion Criteria 2022. Collection method: clinical testing. Allele origin: de novo. Inheritance: Autosomal dominant inheritance. Affected: yes.
Comment: This is a nonsynonymous variant in the SPTBN2 gene (OMIM: 604985). Pathogenic variants in this gene have been associated with autosomal dominant spinocerebellar ataxia 5. It has been reported in at least 5 unrelated affected individuals (PMID: 25981959, 2914369, 33318253, 29795474) (PS4_Moderate). Functional studies have shown that this variant alters SPTBN2 protein function (PMID: 25981959) (PS3_Moderate) and multiple computational algorithms predict a deleterious effect for this variant (REVEL score: 0.857) (PP3). This variant is absent from control populations (PM2). Based on the current evidence, this variant is classified as pathogenic for autosomal dominant spinocerebellar ataxia 5.

Center of Human Genetics, Hôpital Erasme
Classification: Pathogenic for Spinocerebellar ataxia type 5. Last evaluated: 2025-01-01. Review status: criteria provided, single submitter. Criteria: ACMG Guidelines, 2015. Collection method: clinical testing. Allele origin: de novo. Affected: yes.

Ambry Genetics
Classification: Pathogenic for Inborn genetic diseases. Last evaluated: 2024-11-12. Review status: criteria provided, single submitter. Criteria: Ambry Variant Classification Scheme 2023. Collection method: clinical testing. Allele origin: germline.
Comment: The c.1438C>T (p.R480W) alteration is located in exon 12 (coding exon 11) of the SPTBN2 gene. This alteration results from a C to T substitution at nucleotide position 1438, causing the arginine (R) at amino acid position 480 to be replaced by a tryptophan (W). The SPTBN2 c.1438C>T alteration was flagged as a low confidence call in the Genome Aggregation Database (gnomAD). This variant has been determined to be the result of a de novo mutation in multiple individuals with features consistent with autosomal dominant SPTBN2-related spinocerebellar ataxia (Parolin Schnekenberg, 2015; Nuovo, 2018; Zonta, 2020). This amino acid position is highly conserved in available vertebrate species. This alteration is predicted to be deleterious by in silico analysis. Based on the available evidence, this alteration is classified as pathogenic.

Labcorp Genetics (formerly Invitae), Labcorp
Classification: Pathogenic. Last evaluated: 2024-10-23. Review status: criteria provided, single submitter. Criteria: Invitae Variant Classification Sherloc (09022015). Collection method: clinical testing. Allele origin: germline.
Comment: This sequence change replaces arginine, which is basic and polar, with tryptophan, which is neutral and slightly polar, at codon 480 of the SPTBN2 protein (p.Arg480Trp). This variant is not present in population databases (gnomAD no frequency). This missense change has been observed in individual(s) with autosomal dominant spinocerebellar ataxia (PMID: 22914369, 25981959, 33318253). In at least one individual the variant was observed to be de novo. ClinVar contains an entry for this variant (Variation ID: 64368). Invitae Evidence Modeling of protein sequence and biophysical properties (such as structural, functional, and spatial information, amino acid conservation, physicochemical variation, residue mobility, and thermodynamic stability) indicates that this missense variant is expected to disrupt SPTBN2 protein function with a positive predictive value of 80%. Experimental studies have shown that this missense change affects SPTBN2 function (PMID: 25981959). For these reasons, this variant has been classified as Pathogenic.

Victorian Clinical Genetics Services, Murdoch Childrens Research Institute
Classification: Pathogenic for Spinocerebellar ataxia type 5. Last evaluated: 2024-10-09. Review status: criteria provided, single submitter. Criteria: ACMG Guidelines, 2015. Collection method: clinical testing. Allele origin: germline. Inheritance: Autosomal dominant inheritance. Affected: yes.
Comment: Based on the classification scheme VCGS_Germline_v1.3.4, this variant is classified as Pathogenic. Following criteria are met: 0103 - Dominant negative is a known mechanism of disease in this gene and is associated with autosomal dominant spinocerebellar ataxia 5 (MIM#600224; PMID: 31617442, 31066025). Loss of function is a known mechanism of disease in this gene and is associated with autosomal recessive spinocerebellar ataxia 14 (MIM#615386; PMID: 23236289, 31617442, 31066025). (I) 0108 - This gene is associated with both recessive and dominant disease. Heterozygous missense and in frame deletion variants in SPTBN2 have been associated with autosomal dominant spinocerebellar ataxia type 5 (MIM#600224; PMID: 31617442, 31066025). Biallelic loss of function variants have been associated with autosomal recessive spinocerebellar ataxia 14 (MIM#615386; PMID: 23236289, 31617442, 31066025). (I) 0200 - Variant is predicted to result in a missense amino acid change from arginine to tryptophan. (I) 0251 - This variant is heterozygous. (I) 0301 - Variant is absent from gnomAD (both v2 and v3). (SP) 0501 - Missense variant consistently predicted to be damaging by multiple in silico tools or highly conserved with a major amino acid change. (SP) 0600 - Variant is located in the annotated spectrin repeat domain (DECIPHER). (I) 0801 - This variant has strong previous evidence of pathogenicity in unrelated individuals. This variant has been classified as pathogenic by multiple clinical laboratories in ClinVar, as well as a VUS entry. In addition, this variant has been observed in multiple heterozygous individuals with congenital spinocerebellar ataxia, five of which were confirmed to be de novo (ClinVar, DECIPHER, PMID: 33318253, 29795474, 22914369, 25981959). (SP) Legend: (SP) - Supporting pathogenic, (I) - Information, (SB) - Supporting benign

GeneDx
Classification: Pathogenic. Last evaluated: 2021-12-23. Review status: criteria provided, single submitter. Criteria: GeneDx Variant Classification Process June 2021. Collection method: clinical testing. Allele origin: germline. Affected: yes.
Comment: In silico analysis supports that this missense variant has a deleterious effect on protein structure/function; This variant is associated with the following publications: (PMID: 29196973, 25142508, 22914369, 31066025, 25981959, 31617442, 30898343, 29795474, 28636205, 31721007, 30167849, 23838597, 29795473, 33084218, 31785789, 33318253, 26821241)

Molecular Medicine for Neurodegenerative and Neuromuscular Diseases Unit, IRCCS Fondazione Stella Maris
Classification: Pathogenic for Spinocerebellar ataxia type 5. Last evaluated: 2021-01-04. Review status: criteria provided, single submitter. Criteria: ACMG Guidelines, 2015. Collection method: research. Allele origin: de novo. Affected: yes.

Mendelics
Classification: Pathogenic for Spinocerebellar ataxia type 5. Last evaluated: 2019-05-28. Review status: criteria provided, single submitter. Criteria: Mendelics Assertion Criteria 2017. Collection method: clinical testing. Allele origin: unknown.

Blueprint Genetics
Classification: Pathogenic for SPTBN2-related disorders. Last evaluated: 2017-08-03. Review status: criteria provided, single submitter. Criteria: ACMG Guidelines, 2015. Collection method: clinical testing. Allele origin: de novo. Affected: yes. Observed: 2 variant alleles.

Consultorio y Laboratorio de Neurogenética, Hospital JM Ramos Mejia
Classification: Uncertain significance for Spinocerebellar ataxia type 5. Review status: criteria provided, single submitter. Criteria: CÃ³rdoba et al. (PLoS One. 2018). Collection method: clinical testing. Allele origin: unknown. Inheritance: Autosomal dominant inheritance. Affected: yes. Observed: 1 heterozygote.

OMIM
Classification: Pathogenic for SPINOCEREBELLAR ATAXIA 5. Last evaluated: 2013-10-01. Review status: no assertion criteria provided. Collection method: literature only. Allele origin: germline. Not counted in ClinVar's aggregate classification.

Literature cited by the submitters: PubMed 25981959 (cited by 5 submitters); PubMed 33318253 (cited by 4 submitters); PubMed 29795474 (cited by 3 submitters); PubMed 2914369 (cited by Variantyx, Inc.); PubMed 22914369 (cited by 3 submitters); PubMed 23236289 (cited by Victorian Clinical Genetics Services, Murdoch Childrens Research Institute); PubMed 31066025 (cited by Victorian Clinical Genetics Services, Murdoch Childrens Research Institute); PubMed 31617442 (cited by Victorian Clinical Genetics Services, Murdoch Childrens Research Institute).

NM_006946.4(SPTBN2):c.1438C>T (p.Arg480Trp)

Gene: SPTBN2 (spectrin beta, non-erythrocytic 2; minus strand). Cytogenetic location: 11q13.2.
Variant type: single nucleotide variant.
Coding change: c.1438C>T on transcript NM_006946.4 (MANE Select); coding-DNA position 1438, C replaced by T.
Protein change: p.Arg480Trp; replaces arginine 480 with tryptophan.
Molecular consequence: missense variant.
Genome position (GRCh38, 1-based): chr11:66,707,731, G>A on the plus strand (C>T on the coding strand, the complement: SPTBN2 is on the minus strand). VCF-style: chr11-66707731-G-A. GRCh37 (hg19) VCF-style: chr11-66475202-G-A.
Other names: short protein forms R480W.
Identifiers: ClinVar variation 64368 (VCV000064368.22), dbSNP rs397514749, ClinGen allele CA264227.
Genomic context (GRCh38, chr11:66,707,731, plus strand): 5'-TGATGTCGTGGTAGCGCTCGGCGGCCAGCTCTGCAGCCACGGCGTCCACTGCCTGCACCC[G>A]GCCGCTGTAGGCCACGATGTCCGTCTCAATGGCTTCGTGCTTCCGTACTGCTGCCTCGAC-3'
Protein context (NP_008877.2, residues 470-490): IETDIVAYSG[Arg480Trp]VQAVDAVAAE